The following is an entry in ClinVar:

ClinVar aggregate classification (germline): Uncertain significance (1 of 4 stars; one submission).

Allele frequency attached by ClinVar (database versions not stated): gnomAD exomes below 0.00001.
gnomAD v4.1: 5 of 1,613,606 alleles (0.00031%); highest among the groups gnomAD compares: African/African-American, 0.0013%; no homozygotes.

Submission:

Labcorp Genetics (formerly Invitae), Labcorp
Classification: Uncertain significance. Last evaluated: 2023-12-11. Review status: criteria provided, single submitter. Criteria: Invitae Variant Classification Sherloc (09022015). Collection method: clinical testing. Allele origin: germline.
Comment: This sequence change replaces arginine, which is basic and polar, with glutamine, which is neutral and polar, at codon 310 of the USH2A protein (p.Arg310Gln). This variant is not present in population databases (gnomAD no frequency). This variant has not been reported in the literature in individuals affected with USH2A-related conditions. ClinVar contains an entry for this variant (Variation ID: 1478194). Advanced modeling of protein sequence and biophysical properties (such as structural, functional, and spatial information, amino acid conservation, physicochemical variation, residue mobility, and thermodynamic stability) has been performed at Invitae for this missense variant, however the output from this modeling did not meet the statistical confidence thresholds required to predict the impact of this variant on USH2A protein function. In summary, the available evidence is currently insufficient to determine the role of this variant in disease. Therefore, it has been classified as a Variant of Uncertain Significance.

NM_206933.4(USH2A):c.929G>A (p.Arg310Gln)

Gene: USH2A (usherin; minus strand). Cytogenetic location: 1q41.
Variant type: single nucleotide variant.
Coding change: c.929G>A on transcript NM_206933.4 (MANE Select); coding-DNA position 929, G replaced by A.
Protein change: p.Arg310Gln; replaces arginine 310 with glutamine.
Molecular consequence: missense variant.
Genome position (GRCh38, 1-based): chr1:216,325,519, C>T on the plus strand (G>A on the coding strand, the complement: USH2A is on the minus strand). VCF-style: chr1-216325519-C-T. GRCh37 (hg19) VCF-style: chr1-216498861-C-T.
Other names: c.929G>A, p.Arg310Gln (NM_007123.6); short protein forms R310Q.
Identifiers: ClinVar variation 1478194 (VCV001478194.8), dbSNP rs3820464, ClinGen allele CA37898702.